The following is an entry in ClinVar:

NM_001037.5(SCN1B):c.28G>A (p.Gly10Ser)

Gene: SCN1B (sodium voltage-gated channel beta subunit 1; plus strand). Cytogenetic location: 19q13.11.
Variant type: single nucleotide variant.
Coding change: c.28G>A on transcript NM_001037.5 (MANE Select); coding-DNA position 28, G replaced by A.
Protein change: p.Gly10Ser; replaces glycine 10 with serine.
Molecular consequence: missense variant.
Genome position (GRCh38, 1-based): chr19:35,030,848, G>A. VCF-style: chr19-35030848-G-A. GRCh37 (hg19) VCF-style: chr19-35521752-G-A.
Other names: p.G10S:GGC>AGC; c.28G>A, p.Gly10Ser (NM_199037.5); short protein forms G10S.
Identifiers: ClinVar variation 190869 (VCV000190869.36), dbSNP rs72552027, ClinGen allele CA302173.

ClinVar aggregate classification (germline): Conflicting classifications of pathogenicity. Review status: criteria provided, conflicting classifications (1 of 4 stars). 10 submissions from 9 submitters: Uncertain significance (2); Benign (2); Likely benign (5). 1 of the submissions does not count toward it. Last evaluated 2026-02-03.

Conditions:
Cardiovascular phenotype. Identifiers: MedGen CN230736.
SCN1B-related disorder. Also called: SCN1B-related condition; SCN1B-Related Disorders.
Brugada syndrome 5 (BRGDA5). Identifiers: Orphanet 130, Orphanet 871, MedGen C2748541, MONDO:0013015, OMIM 612838.
Generalized epilepsy with febrile seizures plus, type 1 (GEFSP1). Also called: GEFS+, TYPE 1. Identifiers: Orphanet 36387, MedGen C1858672, MONDO:0011416, OMIM 604233.

Allele frequency attached by ClinVar (database versions not stated): ExAC below 0.00001; gnomAD exomes 0.00018 and 0.00169; gnomAD 0.00226 and 0.00249; TOPMed 0.00274; 1000 Genomes Project 30x 0.00312; 1000 Genomes Project 0.00319.
gnomAD v4.1: 485 of 968,158 alleles (0.05%); highest among the groups gnomAD compares: African/African-American, 0.8%; 6 homozygotes.

Submissions (10):

Labcorp Genetics (formerly Invitae), Labcorp
Classification: Benign for Brugada syndrome 5. Last evaluated: 2026-02-03. Review status: criteria provided, single submitter. Criteria: Invitae Variant Classification Sherloc (09022015). Collection method: clinical testing. Allele origin: germline.

Women's Health and Genetics/Laboratory Corporation of America, LabCorp
Classification: Likely benign. Last evaluated: 2025-07-07. Review status: criteria provided, single submitter. Criteria: LabCorp Variant Classification Summary - May 2015. Collection method: clinical testing. Allele origin: germline.
Comment: Variant summary: SCN1B c.28G>A (p.Gly10Ser) results in a non-conservative amino acid change in the encoded protein sequence. Algorithms developed to predict the effect of missense changes on protein structure and function are either unavailable or do not agree on the potential impact of this missense change. The variant allele was found at a frequency of 0.002 in 28816 control chromosomes, predominantly at a frequency of 0.0067 within the African or African-American subpopulation in the gnomAD database, including 1 homozygotes. The observed variant frequency within African or African-American control individuals in the gnomAD database is approximately 670 fold of the estimated maximal expected allele frequency for a pathogenic variant in SCN1B causing Arrhythmia phenotype (1e-05). c.28G>A has been observed in individual(s) affected with Arrhythmia, LQTS and autism, without strong evidence for causality (Riuro_2014, Tan_2010, Perfilyeva_2022). These report(s) do not provide unequivocal conclusions about association of the variant with Arrhythmia. To our knowledge, no experimental evidence demonstrating an impact on protein function has been reported. The following publications have been ascertained in the context of this evaluation (PMID: 36199823, 24662403, 20226894). ClinVar contains an entry for this variant (Variation ID: 190869). Based on the evidence outlined above, the variant was classified as likely benign.

ARUP Laboratories, Molecular Genetics and Genomics, ARUP Laboratories
Classification: Uncertain significance. Last evaluated: 2020-01-31. Review status: criteria provided, single submitter. Criteria: ARUP Molecular Germline Variant Investigation Process. Collection method: clinical testing. Allele origin: germline.

GeneDx
Classification: Benign. Last evaluated: 2019-07-02. Review status: criteria provided, single submitter. Criteria: GeneDx Variant Classification Process June 2021. Collection method: clinical testing. Allele origin: germline. Affected: yes.
Comment: Reported in one patient with LQTS (Rurio et al., 2014); In silico analysis supports that this missense variant does not alter protein structure/function; This variant is associated with the following publications: (PMID: 24662403, 20226894)

Ambry Genetics
Classification: Likely benign for Cardiovascular phenotype. Last evaluated: 2018-12-14. Review status: criteria provided, single submitter. Criteria: Ambry Variant Classification Scheme 2023. Collection method: clinical testing. Allele origin: germline.

Illumina Laboratory Services, Illumina
Classification: Likely benign for Brugada syndrome 5. Last evaluated: 2017-04-28. Review status: criteria provided, single submitter. Criteria: ICSL Variant Classification Criteria 13 December 2019. Collection method: clinical testing. Allele origin: germline.
Comment: This variant was observed as part of a predisposition screen in an ostensibly healthy population. A literature search was performed for the gene, cDNA change, and amino acid change (where applicable). Publications were found based on this search. The evidence from the literature, in combination with allele frequency data from public databases where available, was sufficient to determine this variant is unlikely to cause disease. Therefore, this variant is classified as likely benign.

Illumina Laboratory Services, Illumina
Classification: Likely benign for Generalized epilepsy with febrile seizures plus, type 1. Last evaluated: 2017-04-28. Review status: criteria provided, single submitter. Criteria: ICSL Variant Classification Criteria 13 December 2019. Collection method: clinical testing. Allele origin: germline.
Comment: the same text as in the submission from Illumina Laboratory Services, Illumina above.

Athena Diagnostics
Classification: Uncertain significance. Last evaluated: 2016-12-15. Review status: criteria provided, single submitter. Criteria: Athena Diagnostics Criteria. Collection method: clinical testing. Allele origin: germline.

Eurofins Ntd Llc (ga)
Classification: Likely benign. Last evaluated: 2016-04-13. Review status: criteria provided, single submitter. Criteria: EGL Classification Definitions 2015. Collection method: clinical testing. Allele origin: germline. Observed: 2 variant alleles, 2 heterozygotes.

PreventionGenetics, part of Exact Sciences
Classification: Likely benign for SCN1B-related condition. Last evaluated: 2021-11-22. Review status: no assertion criteria provided. Collection method: clinical testing. Allele origin: germline. Not counted in ClinVar's aggregate classification.
Comment: This variant is classified as likely benign based on ACMG/AMP sequence variant interpretation guidelines (Richards et al. 2015 PMID: 25741868, with internal and published modifications).

Literature cited by the submitters: PubMed 24662403 (cited by 4 submitters); PubMed 20226894 (cited by 4 submitters); PubMed 36199823 (cited by Women's Health and Genetics/Laboratory Corporation of America, LabCorp); PubMed 20662403 (cited by Illumina Laboratory Services, Illumina).